The following is an entry in ClinVar:

NM_001735.3(C5):c.4504+4A>G

Gene: C5 (complement C5; minus strand). Cytogenetic location: 9q33.2.
Variant type: single nucleotide variant.
Coding change: c.4504+4A>G on transcript NM_001735.3 (MANE Select); 4 bases into the intron after coding-DNA position 4504, A replaced by G.
Molecular consequence: intron variant.
Genome position (GRCh38, 1-based): chr9:120,962,667, T>C on the plus strand (A>G on the coding strand, the complement: C5 is on the minus strand). VCF-style: chr9-120962667-T-C. GRCh37 (hg19) VCF-style: chr9-123724945-T-C.
Other names: c.4522+4A>G (NM_001317163.2).
Identifiers: ClinVar variation 1435849 (VCV001435849.6), dbSNP rs137867011, ClinGen allele CA5217165.

ClinVar aggregate classification (germline): Uncertain significance. Review status: criteria provided, multiple submitters, no conflicts (2 of 4 stars). 2 submissions from 2 submitters: Uncertain significance (2). Last evaluated 2022-11-08.

Conditions:
Eculizumab, poor response to. Identifiers: MedGen C3810402, OMIM 615749.
Complement component 5 deficiency. Also called: C5 DEFICIENCY. Identifiers: MedGen C0343047, MONDO:0012295, OMIM 609536.

Allele frequency attached by ClinVar (database versions not stated): gnomAD exomes 0.00001 and 0.00003; ExAC 0.00006; gnomAD 0.00014; ESP Exome Variant Server 0.00015; 1000 Genomes Project 30x 0.00016; 1000 Genomes Project 0.00020; TOPMed 0.00022.
gnomAD v4.1: 36 of 1,585,276 alleles (0.0023%); highest among the groups gnomAD compares: African/African-American, 0.046%; no homozygotes.

Submissions (2):

Labcorp Genetics (formerly Invitae), Labcorp
Classification: Uncertain significance. Last evaluated: 2022-11-08. Review status: criteria provided, single submitter. Criteria: Invitae Variant Classification Sherloc (09022015). Collection method: clinical testing. Allele origin: germline.
Comment: In summary, the available evidence is currently insufficient to determine the role of this variant in disease. Therefore, it has been classified as a Variant of Uncertain Significance. Variants that disrupt the consensus splice site are a relatively common cause of aberrant splicing (PMID: 17576681, 9536098). Algorithms developed to predict the effect of sequence changes on RNA splicing suggest that this variant may disrupt the consensus splice site. ClinVar contains an entry for this variant (Variation ID: 1435849). This variant has not been reported in the literature in individuals affected with C5-related conditions. This variant is present in population databases (rs137867011, gnomAD 0.04%). This sequence change falls in intron 36 of the C5 gene. It does not directly change the encoded amino acid sequence of the C5 protein. It affects a nucleotide within the consensus splice site.

Fulgent Genetics
Classification: Uncertain significance for Complement component 5 deficiency; Eculizumab, poor response to. Last evaluated: 2021-11-12. Review status: criteria provided, single submitter. Criteria: ACMG Guidelines, 2015. Collection method: clinical testing. Allele origin: unknown.

Literature cited by the submitters: PubMed 17576681 (cited by Labcorp Genetics (formerly Invitae), Labcorp); PubMed 9536098 (cited by Labcorp Genetics (formerly Invitae), Labcorp).